The following is an entry in ClinVar:

ClinVar aggregate classification (germline): Uncertain significance (1 of 4 stars; one submission).

Submission:

GeneDx
Classification: Uncertain significance. Last evaluated: 2023-05-08. Review status: criteria provided, single submitter. Criteria: GeneDx Variant Classification Process June 2021. Collection method: clinical testing. Allele origin: germline. Affected: yes.
Comment: Not observed at significant frequency in large population cohorts (gnomAD); In silico analysis supports that this missense variant does not alter protein structure/function; Has not been previously published as pathogenic or benign to our knowledge

NM_152703.5(SAMD9L):c.4332T>A (p.Asp1444Glu)

Gene: SAMD9L (sterile alpha motif domain containing 9 like; minus strand). Cytogenetic location: 7q21.2.
Variant type: single nucleotide variant.
Coding change: c.4332T>A on transcript NM_152703.5 (MANE Select); coding-DNA position 4332, T replaced by A.
Protein change: p.Asp1444Glu; replaces aspartic acid 1444 with glutamic acid.
Molecular consequence: missense variant.
Genome position (GRCh38, 1-based): chr7:93,131,640, A>T on the plus strand (T>A on the coding strand, the complement: SAMD9L is on the minus strand). VCF-style: chr7-93131640-A-T. GRCh37 (hg19) VCF-style: chr7-92760953-A-T.
Other names: c.4332T>A, p.Asp1444Glu (NM_001303496.3, NM_001303497.3, NM_001303498.3 and 5 more transcripts); short protein forms D1444E.
Identifiers: ClinVar variation 2662213 (VCV002662213.1), dbSNP rs1584270734, ClinGen allele CA368174460.